The following is an entry in ClinVar:

ClinVar aggregate classification (germline): Uncertain significance (1 of 4 stars; one submission).

Allele frequency attached by ClinVar (database versions not stated): gnomAD exomes below 0.00001; ExAC 0.00001; gnomAD 0.00001; TOPMed 0.00001.
gnomAD v4.1: 5 of 1,613,350 alleles (0.00031%); highest among the groups gnomAD compares: African/African-American, 0.0067%; no homozygotes.

Submission:

Labcorp Genetics (formerly Invitae), Labcorp
Classification: Uncertain significance. Last evaluated: 2023-07-14. Review status: criteria provided, single submitter. Criteria: Invitae Variant Classification Sherloc (09022015). Collection method: clinical testing. Allele origin: germline.
Comment: This sequence change replaces alanine, which is neutral and non-polar, with threonine, which is neutral and polar, at codon 2571 of the SZT2 protein (p.Ala2571Thr). In summary, the available evidence is currently insufficient to determine the role of this variant in disease. Therefore, it has been classified as a Variant of Uncertain Significance. Advanced modeling of protein sequence and biophysical properties (such as structural, functional, and spatial information, amino acid conservation, physicochemical variation, residue mobility, and thermodynamic stability) performed at Invitae indicates that this missense variant is not expected to disrupt SZT2 protein function. This variant has not been reported in the literature in individuals affected with SZT2-related conditions. This variant is present in population databases (rs781525665, gnomAD 0.01%).

NM_001365999.1(SZT2):c.7882G>A (p.Ala2628Thr)

Gene: SZT2 (SZT2 subunit of KICSTOR complex; plus strand). Cytogenetic location: 1p34.2.
Variant type: single nucleotide variant.
Coding change: c.7882G>A on transcript NM_001365999.1 (MANE Select); coding-DNA position 7882, G replaced by A.
Protein change: p.Ala2628Thr; replaces alanine 2628 with threonine.
Molecular consequence: missense variant.
Genome position (GRCh38, 1-based): chr1:43,442,276, G>A. VCF-style: chr1-43442276-G-A. GRCh37 (hg19) VCF-style: chr1-43907947-G-A.
Other names: c.7711G>A, p.Ala2571Thr (NM_015284.4); short protein forms A2571T, A2628T.
Identifiers: ClinVar variation 2918208 (VCV002918208.3), dbSNP rs781525665, ClinGen allele CA810398.